The following is an entry in ClinVar:

NM_001394998.1(TANC2):c.803G>A (p.Arg268His)

Gene: TANC2 (tetratricopeptide repeat, ankyrin repeat and coiled-coil containing 2; plus strand). Cytogenetic location: 17q23.3.
Variant type: single nucleotide variant.
Coding change: c.803G>A on transcript NM_001394998.1 (MANE Select); coding-DNA position 803, G replaced by A.
Protein change: p.Arg268His; replaces arginine 268 with histidine.
Molecular consequence: missense variant.
Genome position (GRCh38, 1-based): chr17:63,237,847, G>A. VCF-style: chr17-63237847-G-A. GRCh37 (hg19) VCF-style: chr17-61315208-G-A.
Other names: c.581G>A, p.Arg194His (NM_001411076.1, NM_025185.4); short protein forms R194H, R268H.
Identifiers: ClinVar variation 3236454 (VCV003236454.2), dbSNP rs144412511, ClinGen allele CA8697446.

ClinVar aggregate classification (germline): Uncertain significance (1 of 4 stars; one submission).

Conditions:
Intellectual developmental disorder with autistic features and language delay, with or without seizures. Identifiers: MedGen C5394447, MONDO:0030051, OMIM 618906.

Allele frequency attached by ClinVar (database versions not stated): gnomAD 0.00001; gnomAD exomes 0.00001; TOPMed 0.00005; 1000 Genomes Project 30x 0.00031; 1000 Genomes Project 0.00040.
gnomAD v4.1: 22 of 1,549,712 alleles (0.0014%); highest among the groups gnomAD compares: Middle Eastern, 0.017%; no homozygotes.

Submission:

Neuberg Centre For Genomic Medicine, NCGM
Classification: Uncertain significance for Intellectual developmental disorder with autistic features and language delay, with or without seizures. Review status: criteria provided, single submitter. Criteria: ACMG Guidelines, 2015. Collection method: clinical testing. Allele origin: germline. Inheritance: Autosomal dominant inheritance. Affected: yes.
Comment: The missense c.581G>Ap.Arg194His variant in TANC2 gene has not been reported previously as a pathogenic variant nor as a benign variant, to our knowledge. This variant is reported with the allele frequency of 0.001% in the gnomAD Exomes and novel in 1000 Genomes. The amino acid Arg at position 194 is changed to a His changing protein sequence and it might alter its composition and physico-chemical properties. The amino acid change p.Arg194His in TANC2 is predicted as conserved by GERP++ and PhyloP across 100 vertebrates. The variant is predicted as damaging by SIFT. For these reasons, this variant has been classified as Uncertain Significance.